The following is an entry in ClinVar:

ClinVar aggregate classification (germline): Conflicting classifications of pathogenicity. Review status: criteria provided, conflicting classifications (1 of 4 stars). 3 submissions from 3 submitters: Uncertain significance (2); Benign (1). Last evaluated 2025-12-14.

Conditions:
Inborn genetic diseases. Identifiers: MedGen C0950123, MeSH D030342.

Allele frequency attached by ClinVar (database versions not stated): gnomAD 0.00014 and 0.00016; ESP Exome Variant Server 0.00015; ExAC 0.00016; TOPMed 0.00016; gnomAD exomes 0.00021.
gnomAD v4.1: 207 of 1,614,004 alleles (0.013%); highest among the groups gnomAD compares: Admixed American, 0.015%; 1 homozygote.

Submissions (3):

Labcorp Genetics (formerly Invitae), Labcorp
Classification: Benign. Last evaluated: 2025-12-14. Review status: criteria provided, single submitter. Criteria: Invitae Variant Classification Sherloc (09022015). Collection method: clinical testing. Allele origin: germline.

Ambry Genetics
Classification: Uncertain significance for Inborn genetic diseases. Last evaluated: 2021-08-02. Review status: criteria provided, single submitter. Criteria: Ambry Variant Classification Scheme 2023. Collection method: clinical testing. Allele origin: germline.

GeneDx
Classification: Uncertain significance. Last evaluated: 2019-07-25. Review status: criteria provided, single submitter. Criteria: GeneDx Variant Classification Process June 2021. Collection method: clinical testing. Allele origin: germline. Affected: yes.
Comment: In silico analysis, which includes protein predictors and evolutionary conservation, supports that this variant does not alter protein structure/function; Has not been previously published as pathogenic or benign to our knowledge

NM_000918.4(P4HB):c.709G>A (p.Val237Ile)

Gene: P4HB (prolyl 4-hydroxylase subunit beta; minus strand). Cytogenetic location: 17q25.3.
Variant type: single nucleotide variant.
Coding change: c.709G>A on transcript NM_000918.4 (MANE Select); coding-DNA position 709, G replaced by A.
Protein change: p.Val237Ile; replaces valine 237 with isoleucine.
Molecular consequence: missense variant.
Genome position (GRCh38, 1-based): chr17:81,847,263, C>T on the plus strand (G>A on the coding strand, the complement: P4HB is on the minus strand). VCF-style: chr17-81847263-C-T. GRCh37 (hg19) VCF-style: chr17-79805139-C-T.
Other names: short protein forms V237I.
Identifiers: ClinVar variation 1307398 (VCV001307398.10), dbSNP rs145040305, ClinGen allele CA8842880.